The following is an entry in ClinVar:

ClinVar aggregate classification (germline): Uncertain significance. Review status: criteria provided, multiple submitters, no conflicts (2 of 4 stars). 2 submissions from 2 submitters: Uncertain significance (2). Last evaluated 2024-08-13.

Allele frequency attached by ClinVar (database versions not stated): ExAC 0.00001; gnomAD 0.00001; gnomAD exomes 0.00001; TOPMed 0.00001; ESP Exome Variant Server 0.00008.
gnomAD v4.1: 13 of 1,614,068 alleles (0.00081%); highest among the groups gnomAD compares: East Asian, 0.0022%; no homozygotes.

Submissions (2):

Blueprint Genetics
Classification: Uncertain significance. Last evaluated: 2024-08-13. Review status: criteria provided, single submitter. Criteria: ACMG Guidelines, 2015. Collection method: clinical testing. Allele origin: germline.

Centre of Medical Genetics, University Hospital Muenster
Classification: Uncertain significance. Last evaluated: 2022-10-26. Review status: criteria provided, single submitter. Criteria: ACMG Guidelines, 2015. Collection method: clinical testing. Allele origin: unknown. Affected: yes. Observed: 1 variant allele, 1 heterozygote.
Comment: ACMG categories: PM2

NM_001378418.1(TCF20):c.1933A>G (p.Lys645Glu)

Gene: TCF20 (transcription factor 20; minus strand). Cytogenetic location: 22q13.2.
Variant type: single nucleotide variant.
Coding change: c.1933A>G on transcript NM_001378418.1 (MANE Select); coding-DNA position 1933, A replaced by G.
Protein change: p.Lys645Glu; replaces lysine 645 with glutamic acid.
Molecular consequence: missense variant.
Genome position (GRCh38, 1-based): chr22:42,213,373, T>C on the plus strand (A>G on the coding strand, the complement: TCF20 is on the minus strand). VCF-style: chr22-42213373-T-C. GRCh37 (hg19) VCF-style: chr22-42609379-T-C.
Other names: c.1933A>G, p.Lys645Glu (NM_005650.4, NM_181492.3); short protein forms K645E.
Identifiers: ClinVar variation 2430318 (VCV002430318.3), dbSNP rs143262340, ClinGen allele CA10267089.